The following is an entry in ClinVar:

NM_021096.4(CACNA1I):c.3406G>A (p.Val1136Ile)

Gene: CACNA1I (calcium voltage-gated channel subunit alpha1 I; plus strand). Cytogenetic location: 22q13.1.
Variant type: single nucleotide variant.
Coding change: c.3406G>A on transcript NM_021096.4 (MANE Select); coding-DNA position 3406, G replaced by A.
Protein change: p.Val1136Ile; replaces valine 1136 with isoleucine.
Molecular consequence: missense variant.
Genome position (GRCh38, 1-based): chr22:39,662,809, G>A. VCF-style: chr22-39662809-G-A. GRCh37 (hg19) VCF-style: chr22-40058814-G-A.
Other names: c.3301G>A, p.Val1101Ile (NM_001003406.2); short protein forms V1101I, V1136I.
Identifiers: ClinVar variation 3068749 (VCV003068749.2), dbSNP rs945362297, ClinGen allele CA324469777.

ClinVar aggregate classification (germline): Uncertain significance (1 of 4 stars; one submission).

Allele frequency attached by ClinVar (database versions not stated): gnomAD 0.00001; TOPMed 0.00002.
gnomAD v4.1: 6 of 1,600,410 alleles (0.00037%); highest among the groups gnomAD compares: African/African-American, 0.0054%; 1 homozygote.

Submission:

Women's Health and Genetics/Laboratory Corporation of America, LabCorp
Classification: Uncertain significance. Last evaluated: 2024-02-14. Review status: criteria provided, single submitter. Criteria: LabCorp Variant Classification Summary - May 2015. Collection method: clinical testing. Allele origin: germline.
Comment: Variant summary: CACNA1I c.3406G>A (p.Val1136Ile) results in a conservative amino acid change in the encoded protein sequence. Three of five in-silico tools predict a benign effect of the variant on protein function. The variant allele was found at a frequency of 7.8e-06 in 767364 control chromosomes, predominantly at a frequency of 6.8e-05 within the African or African-American subpopulation in the gnomAD database. The available data on variant occurrences in the general population are insufficient to allow any conclusion about variant significance. To our knowledge, no occurrence of c.3406G>A in individuals affected with Neurodevelopmental Disorder With Speech Impairment And With Or Without Seizures and no experimental evidence demonstrating its impact on protein function have been reported. No submitters have cited clinical-significance assessments for this variant to ClinVar. Based on the evidence outlined above, the variant was classified as uncertain significance.